The following is an entry in ClinVar:

NM_001035.3(RYR2):c.7539C>G (p.Ala2513=)

Gene: RYR2 (ryanodine receptor 2; plus strand). Cytogenetic location: 1q43.
Variant type: single nucleotide variant.
Coding change: c.7539C>G on transcript NM_001035.3 (MANE Select); coding-DNA position 7539, C replaced by G.
Protein change: p.Ala2513=; no amino-acid change (alanine 2513 retained).
Molecular consequence: synonymous variant.
Genome position (GRCh38, 1-based): chr1:237,649,903, C>G. VCF-style: chr1-237649903-C-G. GRCh37 (hg19) VCF-style: chr1-237813203-C-G.
Identifiers: ClinVar variation 699674 (VCV000699674.41), dbSNP rs745761104, ClinGen allele CA423819827.

ClinVar aggregate classification (germline): Likely benign. Review status: criteria provided, multiple submitters, no conflicts (2 of 4 stars). 7 submissions from 7 submitters: Likely benign (7). Last evaluated 2026-05-01.

Conditions:
Cardiovascular phenotype. Identifiers: MedGen CN230736.
Catecholaminergic polymorphic ventricular tachycardia (CVPT). Also called: Catecholamine-induced polymorphic ventricular tachycardia. Identifiers: Orphanet 3286, MedGen C5574922, MONDO:0017990.
Cardiomyopathy (CMYO). Also called: Cardiomyopathies. Identifiers: Orphanet 167848, MedGen C0878544, MONDO:0004994, HP:0001638. Inheritance: Various modes of inheritance.
Catecholaminergic polymorphic ventricular tachycardia 1. Also called: RYR2-Related Catecholaminergic Polymorphic Ventricular Tachycardia; VENTRICULAR TACHYCARDIA, CATECHOLAMINERGIC POLYMORPHIC, 1, WITH OR WITHOUT ATRIAL DYSFUNCTION AND/OR DILATED CARDIOMYOPATHY; VENTRICULAR TACHYCARDIA, STRESS-INDUCED POLYMORPHIC 1. Identifiers: Orphanet 3286, MedGen C1631597, MONDO:0011484, OMIM 604772.

Allele frequency attached by ClinVar (database versions not stated): TOPMed 0.00002; gnomAD 0.00003 and 0.00004.
gnomAD v4.1: 43 of 1,613,810 alleles (0.0027%); highest among the groups gnomAD compares: African/African-American, 0.0093%; 1 homozygote.

Submissions (7):

CeGaT Center for Human Genetics Tuebingen
Classification: Likely benign. Last evaluated: 2026-05-01. Review status: criteria provided, single submitter. Criteria: CeGaT Center For Human Genetics Tuebingen Variant Classification Criteria Version 2. Collection method: clinical testing. Allele origin: germline. Affected: yes. Observed: 3 variant alleles.
Comment: RYR2: BP4, BP7

Labcorp Genetics (formerly Invitae), Labcorp
Classification: Likely benign for Catecholaminergic polymorphic ventricular tachycardia 1. Last evaluated: 2025-12-08. Review status: criteria provided, single submitter. Criteria: Invitae Variant Classification Sherloc (09022015). Collection method: clinical testing. Allele origin: germline.

Blueprint Genetics
Classification: Likely benign. Last evaluated: 2024-11-17. Review status: criteria provided, single submitter. Criteria: ACMG Guidelines, 2015. Collection method: clinical testing. Allele origin: germline.

All of Us Research Program, National Institutes of Health
Classification: Likely benign for Catecholaminergic polymorphic ventricular tachycardia. Last evaluated: 2023-12-13. Review status: criteria provided, single submitter. Criteria: ACMG Guidelines, 2015. Collection method: clinical testing. Allele origin: germline. Inheritance: Autosomal dominant inheritance. Observed: 2 variant alleles, 2 heterozygotes.
Comment: This study involves interpretation of variants in research participants for the purpose of population health screening. Participant phenotype was not available at the time of variant classification. Additional details can be found in publication PMID: 35346344, PMCID: PMC8962531

GeneDx
Classification: Likely benign. Last evaluated: 2019-07-16. Review status: criteria provided, single submitter. Criteria: GeneDx Variant Classification Process June 2021. Collection method: clinical testing. Allele origin: germline. Affected: yes.

Ambry Genetics
Classification: Likely benign for Cardiovascular phenotype. Last evaluated: 2019-07-11. Review status: criteria provided, single submitter. Criteria: Ambry Variant Classification Scheme 2023. Collection method: clinical testing. Allele origin: germline.

Color Diagnostics, LLC DBA Color Health
Classification: Likely benign for Cardiomyopathy. Last evaluated: 2019-02-09. Review status: criteria provided, single submitter. Criteria: ACMG Guidelines, 2015. Collection method: clinical testing. Allele origin: germline.